The following is an entry in ClinVar:

NM_001135863.2(ETFBKMT):c.314+1G>A

Gene: ETFBKMT (electron transfer flavoprotein subunit beta lysine methyltransferase; plus strand). Cytogenetic location: 12p11.21.
Variant type: single nucleotide variant.
Coding change: c.314+1G>A on transcript NM_001135863.2 (MANE Select); the canonical splice donor site of the intron after coding-DNA position 314, G replaced by A.
Molecular consequence: splice donor variant.
Genome position (GRCh38, 1-based): chr12:31,662,268, G>A. VCF-style: chr12-31662268-G-A. GRCh37 (hg19) VCF-style: chr12-31815202-G-A.
Other names: NC_000012.11:g.31815202G>A; c.314+1G>A (NM_001135864.2, NM_173802.4).
Identifiers: ClinVar variation 2642829 (VCV002642829.25), dbSNP rs138229541, ClinGen allele CA6504247.

ClinVar aggregate classification (germline): Likely benign (1 of 4 stars; one submission).

Allele frequency attached by ClinVar (database versions not stated): 1000 Genomes Project 0.00300; 1000 Genomes Project 30x 0.00328; TOPMed 0.00341; ESP Exome Variant Server 0.00361; ExAC 0.00388; gnomAD 0.00388; gnomAD exomes 0.00457.
gnomAD v4.1: 7,254 of 1,613,484 alleles (0.45%); highest among the groups gnomAD compares: Middle Eastern, 1.2%; 30 homozygotes.

Submissions (10):

CeGaT Center for Human Genetics Tuebingen
Classification: Likely benign. Last evaluated: 2023-03-01. Review status: criteria provided, single submitter. Criteria: CeGaT Center For Human Genetics Tuebingen Variant Classification Criteria Version 2. Collection method: clinical testing. Allele origin: germline. Affected: yes. Observed: 1 variant allele.
Comment: ETFBKMT: BS2

Dr. Peter K. Rogan Lab, Western University
No classification provided (evidence only). Condition: Acute myeloid leukemia. Review status: no classification provided. Collection method: in vitro. Allele origin: not applicable. Functional consequence: retained intron. Not counted in ClinVar's aggregate classification.

Dr. Peter K. Rogan Lab, Western University
No classification provided (evidence only). Condition: Thyroid cancer, nonmedullary, 1. Review status: no classification provided. Collection method: in vitro. Allele origin: not applicable. Functional consequence: retained intron. Not counted in ClinVar's aggregate classification.

Dr. Peter K. Rogan Lab, Western University
No classification provided (evidence only). Condition: Ovarian serous cystadenocarcinoma. Review status: no classification provided. Collection method: in vitro. Allele origin: not applicable. Functional consequence: retained intron. Not counted in ClinVar's aggregate classification.

Dr. Peter K. Rogan Lab, Western University
No classification provided (evidence only). Condition: Ovarian serous cystadenocarcinoma. Review status: no classification provided. Collection method: in vitro. Allele origin: not applicable. Functional consequence: retained intron. Not counted in ClinVar's aggregate classification.

Dr. Peter K. Rogan Lab, Western University
No classification provided (evidence only). Condition: Ovarian serous cystadenocarcinoma. Review status: no classification provided. Collection method: in vitro. Allele origin: not applicable. Functional consequence: retained intron. Not counted in ClinVar's aggregate classification.

Dr. Peter K. Rogan Lab, Western University
No classification provided (evidence only). Condition: Gastric cancer. Review status: no classification provided. Collection method: in vitro. Allele origin: not applicable. Functional consequence: retained intron. Not counted in ClinVar's aggregate classification.

Dr. Peter K. Rogan Lab, Western University
No classification provided (evidence only). Condition: Gastric cancer. Review status: no classification provided. Collection method: in vitro. Allele origin: not applicable. Functional consequence: retained intron. Not counted in ClinVar's aggregate classification.

Dr. Peter K. Rogan Lab, Western University
No classification provided (evidence only). Condition: Gastric cancer. Review status: no classification provided. Collection method: in vitro. Allele origin: not applicable. Functional consequence: retained intron. Not counted in ClinVar's aggregate classification.

Dr. Peter K. Rogan Lab, Western University
No classification provided (evidence only). Condition: Gastric cancer. Review status: no classification provided. Collection method: in vitro. Allele origin: not applicable. Functional consequence: retained intron. Not counted in ClinVar's aggregate classification.